The following is an entry in ClinVar:

ClinVar aggregate classification (germline): Uncertain significance (1 of 4 stars; one submission).

Conditions:
Hereditary cancer-predisposing syndrome. Also called: Neoplastic Syndromes, Hereditary; Tumor predisposition; Hereditary neoplastic syndrome; Hereditary Cancer Syndrome. Identifiers: Orphanet 140162, MedGen C0027672, MeSH D009386, MONDO:0015356.

Submission:

Ambry Genetics
Classification: Uncertain significance for Hereditary cancer-predisposing syndrome. Last evaluated: 2024-04-22. Review status: criteria provided, single submitter. Criteria: Ambry Variant Classification Scheme 2023. Collection method: clinical testing. Allele origin: germline.
Comment: The p.G99S variant (also known as c.295G>A), located in coding exon 2 of the PTCH1 gene, results from a G to A substitution at nucleotide position 295. The glycine at codon 99 is replaced by serine, an amino acid with similar properties. This amino acid position is highly conserved in available vertebrate species. In addition, this alteration is predicted to be deleterious by in silico analysis. Based on the available evidence, the clinical significance of this variant remains unclear.

NM_000264.5(PTCH1):c.295G>A (p.Gly99Ser)

Gene: PTCH1 (patched 1; minus strand). Cytogenetic location: 9q22.32.
Variant type: single nucleotide variant.
Coding change: c.295G>A on transcript NM_000264.5 (MANE Select); coding-DNA position 295, G replaced by A.
Protein change: p.Gly99Ser; replaces glycine 99 with serine.
Molecular consequence: missense variant. On other transcripts: 5 prime UTR variant (4), non-coding transcript variant (1).
Genome position (GRCh38, 1-based): chr9:95,506,506, C>T on the plus strand (G>A on the coding strand, the complement: PTCH1 is on the minus strand). VCF-style: chr9-95506506-C-T. GRCh37 (hg19) VCF-style: chr9-98268788-C-T.
Other names: c.97G>A, p.Gly33Ser (NM_001083602.3, NM_001354919.2); c.292G>A, p.Gly98Ser (NM_001083603.3); c.-159G>A (NM_001083604.3, NM_001083605.3, NM_001083606.3 and 1 more transcripts); c.295G>A, p.Gly99Ser (NM_001354918.2); short protein forms G33S, G99S, G98S.
Identifiers: ClinVar variation 3311150 (VCV003311150.1).